The following is an entry in ClinVar:

ClinVar aggregate classification (germline): Benign/Likely benign. Review status: criteria provided, multiple submitters, no conflicts (2 of 4 stars). 3 submissions from 3 submitters: Benign (1); Likely benign (2). Last evaluated 2025-10-06.

Conditions:
Familial cancer of breast. Also called: BREAST CANCER, FAMILIAL; hereditary breast carcinoma; Hereditary breast cancer. Identifiers: Orphanet 227535, MedGen C0346153, MONDO:0016419, OMIM 114480. Disease mechanism: loss of function.
Fanconi anemia complementation group J. Also called: BRIP1-Related Fanconi Anemia. Identifiers: Orphanet 84, MedGen C1836860, MONDO:0012187, OMIM 609054.
Hereditary cancer-predisposing syndrome. Also called: Neoplastic Syndromes, Hereditary; Tumor predisposition; Hereditary neoplastic syndrome; Hereditary Cancer Syndrome. Identifiers: Orphanet 140162, MedGen C0027672, MeSH D009386, MONDO:0015356.

Submissions (3):

Labcorp Genetics (formerly Invitae), Labcorp
Classification: Likely benign for Familial cancer of breast; Fanconi anemia complementation group J. Last evaluated: 2025-10-06. Review status: criteria provided, single submitter. Criteria: Invitae Variant Classification Sherloc (09022015). Collection method: clinical testing. Allele origin: germline.

Myriad Genetics, Inc.
Classification: Benign for Familial cancer of breast. Last evaluated: 2024-09-09. Review status: criteria provided, single submitter. Criteria: Myriad Autosomal Dominant, Autosomal Recessive and X-Linked Classification Criteria (2023). Collection method: clinical testing. Allele origin: unknown.
Comment: This variant is considered benign. This variant is a silent/synonymous amino acid change and it is not expected to impact splicing.

Ambry Genetics
Classification: Likely benign for Hereditary cancer-predisposing syndrome. Last evaluated: 2022-10-21. Review status: criteria provided, single submitter. Criteria: Ambry Variant Classification Scheme 2023. Collection method: clinical testing. Allele origin: germline.

NM_032043.3(BRIP1):c.3030G>A (p.Gln1010=)

Gene: BRIP1 (BRCA1 interacting DNA helicase 1; minus strand). Cytogenetic location: 17q23.2.
Variant type: single nucleotide variant.
Coding change: c.3030G>A on transcript NM_032043.3 (MANE Select); coding-DNA position 3030, G replaced by A.
Protein change: p.Gln1010=; no amino-acid change (glutamine 1010 retained).
Molecular consequence: synonymous variant.
Genome position (GRCh38, 1-based): chr17:61,684,016, C>T on the plus strand (G>A on the coding strand, the complement: BRIP1 is on the minus strand). VCF-style: chr17-61684016-C-T. GRCh37 (hg19) VCF-style: chr17-59761377-C-T.
Identifiers: ClinVar variation 1799038 (VCV001799038.4), dbSNP rs2144090733, ClinGen allele CA501335525.
Genomic context (GRCh38, chr17:61,684,016, plus strand): 5'-GGCACTATTCTCTGATGACCCGAGCTCAGGTGTTGCCTTCGGTATTTTACCAGTAAAATA[C>T]TGTCCCAAAGAATTAAAGCTTGACCAGCTAACTCTCTTTGTTTGTTTGTTGAAAGTTGGG-3'
Protein context (NP_114432.2, residues 1000-1020): VSWSSFNSLG[Gln1010=]YFTGKIPKAT